The following is an entry in ClinVar:

ClinVar aggregate classification (germline): Uncertain significance (1 of 4 stars; one submission).

Submission:

Labcorp Genetics (formerly Invitae), Labcorp
Classification: Uncertain significance. Last evaluated: 2022-09-02. Review status: criteria provided, single submitter. Criteria: Invitae Variant Classification Sherloc (09022015). Collection method: clinical testing. Allele origin: germline.
Comment: In summary, the available evidence is currently insufficient to determine the role of this variant in disease. Therefore, it has been classified as a Variant of Uncertain Significance. Algorithms developed to predict the effect of missense changes on protein structure and function output the following: SIFT: "Deleterious"; PolyPhen-2: "Benign"; Align-GVGD: "Class C0". The glutamic acid amino acid residue is found in multiple mammalian species, which suggests that this missense change does not adversely affect protein function. This variant has not been reported in the literature in individuals affected with DDX58-related conditions. This variant is not present in population databases (gnomAD no frequency). This sequence change replaces aspartic acid, which is acidic and polar, with glutamic acid, which is acidic and polar, at codon 910 of the DDX58 protein (p.Asp910Glu).

NM_014314.4(RIGI):c.2730C>A (p.Asp910Glu)

Gene: RIGI (RNA sensor RIG-I; minus strand). Cytogenetic location: 9p21.1.
Variant type: single nucleotide variant.
Coding change: c.2730C>A on transcript NM_014314.4 (MANE Select); coding-DNA position 2730, C replaced by A.
Protein change: p.Asp910Glu; replaces aspartic acid 910 with glutamic acid.
Molecular consequence: missense variant.
Genome position (GRCh38, 1-based): chr9:32,457,170, G>T on the plus strand (C>A on the coding strand, the complement: RIGI is on the minus strand). VCF-style: chr9-32457170-G-T. GRCh37 (hg19) VCF-style: chr9-32457168-G-T.
Other names: c.2724C>A, p.Asp908Glu (NM_001385907.1); c.2559C>A, p.Asp853Glu (NM_001385909.1); c.2289C>A, p.Asp763Glu (NM_001385910.1); c.2121C>A, p.Asp707Glu (NM_001385912.1); c.2715C>A, p.Asp905Glu (NM_001385913.1); c.2286C>A, p.Asp762Glu (NM_001385914.1); short protein forms D763E, D910E, D908E, D905E, D707E, D762E, D853E.
Identifiers: ClinVar variation 1967850 (VCV001967850.5), dbSNP rs758863718, ClinGen allele CA373141530.